The following is an entry in ClinVar:

ClinVar aggregate classification (germline): Uncertain significance. Review status: criteria provided, multiple submitters, no conflicts (2 of 4 stars). 2 submissions from 2 submitters: Uncertain significance (2). Last evaluated 2025-08-08.

Allele frequency attached by ClinVar (database versions not stated): ExAC 0.00001; TOPMed 0.00002; gnomAD 0.00003; gnomAD exomes 0.00008.
gnomAD v4.1: 118 of 1,614,064 alleles (0.0073%); highest among the groups gnomAD compares: Non-Finnish European, 0.0097%; no homozygotes.

Submissions (2):

Ambry Genetics
Classification: Uncertain significance. Last evaluated: 2025-08-08. Review status: criteria provided, single submitter. Criteria: Ambry Variant Classification Scheme 2023. Collection method: clinical testing. Allele origin: germline.

Labcorp Genetics (formerly Invitae), Labcorp
Classification: Uncertain significance. Last evaluated: 2024-10-29. Review status: criteria provided, single submitter. Criteria: Invitae Variant Classification Sherloc (09022015). Collection method: clinical testing. Allele origin: germline.
Comment: This sequence change replaces isoleucine, which is neutral and non-polar, with threonine, which is neutral and polar, at codon 156 of the SLCO5A1 protein (p.Ile156Thr). This variant is present in population databases (rs777391570, gnomAD 0.008%). This variant has not been reported in the literature in individuals affected with SLCO5A1-related conditions. ClinVar contains an entry for this variant (Variation ID: 2722181). An algorithm developed to predict the effect of missense changes on protein structure and function (PolyPhen-2) suggests that this variant is likely to be disruptive. In summary, the available evidence is currently insufficient to determine the role of this variant in disease. Therefore, it has been classified as a Variant of Uncertain Significance.

NM_030958.3(SLCO5A1):c.467T>C (p.Ile156Thr)

Gene: SLCO5A1 (solute carrier organic anion transporter family member 5A1; minus strand). Cytogenetic location: 8q13.3.
Variant type: single nucleotide variant.
Coding change: c.467T>C on transcript NM_030958.3 (MANE Select); coding-DNA position 467, T replaced by C.
Protein change: p.Ile156Thr; replaces isoleucine 156 with threonine.
Molecular consequence: missense variant.
Genome position (GRCh38, 1-based): chr8:69,832,207, A>G on the plus strand (T>C on the coding strand, the complement: SLCO5A1 is on the minus strand). VCF-style: chr8-69832207-A-G. GRCh37 (hg19) VCF-style: chr8-70744442-A-G.
Other names: c.467T>C, p.Ile156Thr (NM_001146008.2, NM_001146009.1); c.467T>C (NM_030958.2); short protein forms I156T.
Identifiers: ClinVar variation 2722181 (VCV002722181.4), dbSNP rs777391570, ClinGen allele CA4776804.